The following is an entry in ClinVar:

ClinVar aggregate classification (germline): Uncertain significance (1 of 4 stars; one submission).

Conditions:
Inborn genetic diseases. Identifiers: MedGen C0950123, MeSH D030342.

gnomAD v4.1: 11 of 1,613,456 alleles (0.00068%); highest among the groups gnomAD compares: South Asian, 0.012%; no homozygotes.

Submission:

Ambry Genetics
Classification: Uncertain significance for Inborn genetic diseases. Last evaluated: 2024-11-23. Review status: criteria provided, single submitter. Criteria: Ambry Variant Classification Scheme 2023. Collection method: clinical testing. Allele origin: germline.
Comment: The p.K302N variant (also known as c.906G>C), located in coding exon 4 of the FANCM gene, results from a G to C substitution at nucleotide position 906. The lysine at codon 302 is replaced by asparagine, an amino acid with similar properties. This amino acid position is conserved. In addition, this alteration is predicted to be tolerated by in silico analysis. Based on the available evidence, the clinical significance of this variant remains unclear.

NM_020937.4(FANCM):c.906G>C (p.Lys302Asn)

Gene: FANCM (FA complementation group M; plus strand). Cytogenetic location: 14q21.2.
Variant type: single nucleotide variant.
Coding change: c.906G>C on transcript NM_020937.4 (MANE Select); coding-DNA position 906, G replaced by C.
Protein change: p.Lys302Asn; replaces lysine 302 with asparagine.
Molecular consequence: missense variant.
Genome position (GRCh38, 1-based): chr14:45,148,983, G>C. VCF-style: chr14-45148983-G-C. GRCh37 (hg19) VCF-style: chr14-45618186-G-C.
Other names: c.828G>C, p.Lys276Asn (NM_001308133.2); c.906G>C, p.Lys302Asn (NM_001308134.2); short protein forms K302N, K276N.
Identifiers: ClinVar variation 3512914 (VCV003512914.1).